The following is an entry in ClinVar:

ClinVar aggregate classification (germline): Uncertain significance. Review status: criteria provided, multiple submitters, no conflicts (2 of 4 stars). 2 submissions from 2 submitters: Uncertain significance (2). Last evaluated 2024-10-02.

Conditions:
Autosomal dominant hypocalcemia 1 (HYPOC1). Also called: HYPOCALCEMIA, FAMILIAL. Identifiers: MedGen C3715128, MONDO:0011013, OMIM 601198.
Familial hypocalciuric hypercalcemia (FHH). Also called: Familial benign hypercalcemia. Identifiers: Orphanet 405, MedGen C1809471, MONDO:0018458.
Nephrolithiasis/nephrocalcinosis. Identifiers: MedGen CN580796.

Submissions (2):

Labcorp Genetics (formerly Invitae), Labcorp
Classification: Uncertain significance for Familial hypocalciuric hypercalcemia; Autosomal dominant hypocalcemia 1. Last evaluated: 2024-10-02. Review status: criteria provided, single submitter. Criteria: Invitae Variant Classification Sherloc (09022015). Collection method: clinical testing. Allele origin: germline.
Comment: This sequence change replaces glutamic acid, which is acidic and polar, with lysine, which is basic and polar, at codon 556 of the CASR protein (p.Glu556Lys). This variant is not present in population databases (gnomAD no frequency). This missense change has been observed in individual(s) with autosomal dominant hypocalcemia (PMID: 21566074). An algorithm developed to predict the effect of missense changes on protein structure and function (PolyPhen-2) suggests that this variant is likely to be tolerated. In summary, the available evidence is currently insufficient to determine the role of this variant in disease. Therefore, it has been classified as a Variant of Uncertain Significance.

Ambry Genetics
Classification: Uncertain significance for Nephrolithiasis/nephrocalcinosis. Last evaluated: 2024-08-23. Review status: criteria provided, single submitter. Criteria: Ambry Variant Classification Scheme 2023. Collection method: clinical testing. Allele origin: germline.

Literature cited by the submitters: PubMed 21566074 (cited by Labcorp Genetics (formerly Invitae), Labcorp and Ambry Genetics); PubMed 21645025 (cited by Ambry Genetics).

NM_000388.4(CASR):c.1666G>A (p.Glu556Lys)

Gene: CASR (calcium sensing receptor; plus strand). Cytogenetic location: 3q21.1.
Variant type: single nucleotide variant.
Coding change: c.1666G>A on transcript NM_000388.4 (MANE Select); coding-DNA position 1666, G replaced by A.
Protein change: p.Glu556Lys; replaces glutamic acid 556 with lysine.
Molecular consequence: missense variant.
Genome position (GRCh38, 1-based): chr3:122,282,170, G>A. VCF-style: chr3-122282170-G-A. GRCh37 (hg19) VCF-style: chr3-122001017-G-A.
Other names: c.1696G>A, p.Glu566Lys (NM_001178065.2); short protein forms E566K, E556K.
Identifiers: ClinVar variation 3485347 (VCV003485347.3).
Genomic context (GRCh38, chr3:122,282,170, plus strand): 5'-CAGGTGCCCTTCTCCAACTGCAGCCGAGACTGCCTGGCAGGGACCAGGAAAGGGATCATT[G>A]AGGGGGAGCCCACCTGCTGCTTTGAGTGTGTGGAGTGTCCTGATGGGGAGTATAGTGATG-3'
Protein context (NP_000379.3, residues 546-566): CLAGTRKGII[Glu556Lys]GEPTCCFECV